The following is an entry in ClinVar:

NM_017780.4(CHD7):c.6396T>C (p.Ala2132=)

Gene: CHD7 (chromodomain helicase DNA binding protein 7; plus strand). Cytogenetic location: 8q12.2.
Variant type: single nucleotide variant.
Coding change: c.6396T>C on transcript NM_017780.4 (MANE Select); coding-DNA position 6396, T replaced by C.
Protein change: p.Ala2132=; no amino-acid change (alanine 2132 retained).
Molecular consequence: synonymous variant. On other transcripts: intron variant (1).
Genome position (GRCh38, 1-based): chr8:60,853,121, T>C. VCF-style: chr8-60853121-T-C. GRCh37 (hg19) VCF-style: chr8-61765680-T-C.
Other names: c.1717-9108T>C (NM_001316690.1).
Identifiers: ClinVar variation 1623105 (VCV001623105.32), dbSNP rs763720460, ClinGen allele CA4760585.

ClinVar aggregate classification (germline): Likely benign. Review status: criteria provided, multiple submitters, no conflicts (2 of 4 stars). 2 submissions from 2 submitters: Likely benign (2). Last evaluated 2022-11-01.

Conditions:
CHARGE syndrome (CHARGE). Also called: Coloboma, heart anomaly, choanal atresia, retardation, genital and ear anomalies; CHARGE association; Hall-Hittner syndrome; Hittner Hirsch Kreh syndrome; CHARGE ASSOCIATION--COLOBOMA, HEART ANOMALY, CHOANAL ATRESIA, RETARDATION, GENITAL AND EAR ANOMALIES. Identifiers: Orphanet 138, MedGen C0265354, MONDO:0008965.

Allele frequency attached by ClinVar (database versions not stated): gnomAD 0.00001; gnomAD exomes 0.00001 and 0.00002; TOPMed 0.00001; ExAC 0.00003.
gnomAD v4.1: 13 of 1,613,726 alleles (0.00081%); highest among the groups gnomAD compares: Non-Finnish European, 0.0011%; no homozygotes.

Submissions (2):

CeGaT Center for Human Genetics Tuebingen
Classification: Likely benign. Last evaluated: 2022-11-01. Review status: criteria provided, single submitter. Criteria: CeGaT Center For Human Genetics Tuebingen Variant Classification Criteria Version 2. Collection method: clinical testing. Allele origin: germline. Affected: yes. Observed: 1 variant allele.
Comment: CHD7: BP4, BP7

Labcorp Genetics (formerly Invitae), Labcorp
Classification: Likely benign for CHARGE syndrome. Last evaluated: 2022-09-10. Review status: criteria provided, single submitter. Criteria: Invitae Variant Classification Sherloc (09022015). Collection method: clinical testing. Allele origin: germline.